The following is an entry in ClinVar:

NM_001288705.3(CSF1R):c.186T>C (p.Ser62=)

Gene: CSF1R (colony stimulating factor 1 receptor; minus strand). Cytogenetic location: 5q32.
Variant type: single nucleotide variant.
Coding change: c.186T>C on transcript NM_001288705.3 (MANE Select); coding-DNA position 186, T replaced by C.
Protein change: p.Ser62=; no amino-acid change (serine 62 retained).
Molecular consequence: synonymous variant. On other transcripts: 5 prime UTR variant (1), non-coding transcript variant (2).
Genome position (GRCh38, 1-based): chr5:150,080,888, A>G on the plus strand (T>C on the coding strand, the complement: CSF1R is on the minus strand). VCF-style: chr5-150080888-A-G. GRCh37 (hg19) VCF-style: chr5-149460451-A-G.
Other names: c.186T>C, p.Ser62= (NM_001349736.2, NM_001375320.1, NM_005211.4); c.-259T>C (NM_001375321.1); c.186T>C (NM_005211.3).
Identifiers: ClinVar variation 2956767 (VCV002956767.4), dbSNP rs150547844, ClinGen allele CA3507259.

ClinVar aggregate classification (germline): Likely benign. Review status: criteria provided, multiple submitters, no conflicts (2 of 4 stars). 2 submissions from 2 submitters: Likely benign (2). Last evaluated 2026-07-24.

Conditions:
CSF1R-related disorder. Also called: CSF1R-related condition. Identifiers: MedGen CN379780, MONDO:0100632.

Allele frequency attached by ClinVar (database versions not stated): ExAC 0.00002; gnomAD 0.00002; gnomAD exomes 0.00003; TOPMed 0.00003; ESP Exome Variant Server 0.00015.
gnomAD v4.1: 41 of 1,614,064 alleles (0.0025%); highest among the groups gnomAD compares: Non-Finnish European, 0.0035%; no homozygotes.

Submissions (2):

PreventionGenetics, part of Exact Sciences
Classification: Likely benign for CSF1R-related condition. Last evaluated: 2026-07-24. Review status: criteria provided, single submitter. Criteria: ACMG Guidelines, 2015. Collection method: clinical testing. Allele origin: germline.
Comment: This variant is classified as likely benign based on ACMG/AMP sequence variant interpretation guidelines (Richards et al. 2015 PMID: 25741868, with internal and published modifications).

Labcorp Genetics (formerly Invitae), Labcorp
Classification: Likely benign. Last evaluated: 2025-12-29. Review status: criteria provided, single submitter. Criteria: Invitae Variant Classification Sherloc (09022015). Collection method: clinical testing. Allele origin: germline.